The following is an entry in ClinVar:

NM_000541.5(SAG):c.35C>T (p.Pro12Leu)

Gene: SAG (S-antigen visual arrestin; plus strand). Cytogenetic location: 2q37.1.
Variant type: single nucleotide variant.
Coding change: c.35C>T on transcript NM_000541.5 (MANE Select); coding-DNA position 35, C replaced by T.
Protein change: p.Pro12Leu; replaces proline 12 with leucine.
Molecular consequence: missense variant.
Genome position (GRCh38, 1-based): chr2:233,309,224, C>T. VCF-style: chr2-233309224-C-T. GRCh37 (hg19) VCF-style: chr2-234217870-C-T.
Other names: c.35C>T (NM_000541.4); short protein forms P12L.
Identifiers: ClinVar variation 1088116 (VCV001088116.12), dbSNP rs183383266, ClinGen allele CA2174178.

ClinVar aggregate classification (germline): Conflicting classifications of pathogenicity. Review status: criteria provided, conflicting classifications (1 of 4 stars). 4 submissions from 4 submitters: Uncertain significance (2); Likely benign (2). Last evaluated 2026-08-26.

Conditions:
SAG-related disorder. Also called: SAG-related disorders; SAG-related condition.
Inborn genetic diseases. Identifiers: MedGen C0950123, MeSH D030342.

Allele frequency attached by ClinVar (database versions not stated): 1000 Genomes Project 0.00020; 1000 Genomes Project 30x 0.00031; ESP Exome Variant Server 0.00033; TOPMed 0.00033; gnomAD 0.00034 and 0.00035.
gnomAD v4.1: 864 of 1,613,684 alleles (0.054%); highest among the groups gnomAD compares: Non-Finnish European, 0.065%; 3 homozygotes.

Submissions (4):

PreventionGenetics, part of Exact Sciences
Classification: Uncertain significance for SAG-related condition. Last evaluated: 2026-08-26. Review status: criteria provided, single submitter. Criteria: ACMG Guidelines, 2015. Collection method: clinical testing. Allele origin: germline.
Comment: The SAG c.35C>T variant is predicted to result in the amino acid substitution p.Pro12Leu. To our knowledge, this variant has not been reported in the literature. This variant is reported in 0.10% of alleles in individuals of European (Non-Finnish) descent in gnomAD, which may be too frequent to be a primary cause of disease. Although we suspect that this variant may be benign, at this time, the clinical significance of this variant is uncertain due to the absence of conclusive functional and genetic evidence.

Labcorp Genetics (formerly Invitae), Labcorp
Classification: Likely benign. Last evaluated: 2026-01-14. Review status: criteria provided, single submitter. Criteria: Invitae Variant Classification Sherloc (09022015). Collection method: clinical testing. Allele origin: germline.

Ambry Genetics
Classification: Uncertain significance for Inborn genetic diseases. Last evaluated: 2024-12-05. Review status: criteria provided, single submitter. Criteria: Ambry Variant Classification Scheme 2023. Collection method: clinical testing. Allele origin: germline.

Blueprint Genetics
Classification: Likely benign. Last evaluated: 2024-11-06. Review status: criteria provided, single submitter. Criteria: ACMG Guidelines, 2015. Collection method: clinical testing. Allele origin: germline.